The following is an entry in ClinVar:

NM_015662.3(IFT172):c.2059C>T (p.Arg687Cys)

Gene: IFT172 (intraflagellar transport 172; minus strand). Cytogenetic location: 2p23.3.
Variant type: single nucleotide variant.
Coding change: c.2059C>T on transcript NM_015662.3 (MANE Select); coding-DNA position 2059, C replaced by T.
Protein change: p.Arg687Cys; replaces arginine 687 with cysteine.
Molecular consequence: missense variant.
Genome position (GRCh38, 1-based): chr2:27,462,757, G>A on the plus strand (C>T on the coding strand, the complement: IFT172 is on the minus strand). VCF-style: chr2-27462757-G-A. GRCh37 (hg19) VCF-style: chr2-27685624-G-A.
Other names: c.2059C>T (NM_015662.2); short protein forms R687C.
Identifiers: ClinVar variation 1425298 (VCV001425298.8), dbSNP rs145946722, ClinGen allele CA1580420.

ClinVar aggregate classification (germline): Uncertain significance. Review status: criteria provided, multiple submitters, no conflicts (2 of 4 stars). 4 submissions from 4 submitters: Uncertain significance (4). Last evaluated 2025-08-21.

Conditions:
IFT172-related disorder. Also called: IFT172-related disorders; IFT172-related condition.
Short-rib thoracic dysplasia 10 with or without polydactyly (SRTD10). Identifiers: Orphanet 474, MedGen C3810175, MONDO:0014284, OMIM 615630.
Retinitis pigmentosa 71 (RP71). Identifiers: Orphanet 791, MedGen C4225342, MONDO:0014618, OMIM 616394.

Allele frequency attached by ClinVar (database versions not stated): gnomAD 0.00001 and 0.00002; ExAC 0.00002; TOPMed 0.00003; gnomAD exomes 0.00004 and 0.00005; ESP Exome Variant Server 0.00015.
gnomAD v4.1: 71 of 1,613,836 alleles (0.0044%); highest among the groups gnomAD compares: South Asian, 0.02%; no homozygotes.

Submissions (4):

PreventionGenetics, part of Exact Sciences
Classification: Uncertain significance for IFT172-related condition. Last evaluated: 2025-08-21. Review status: criteria provided, single submitter. Criteria: ACMG Guidelines, 2015. Collection method: clinical testing. Allele origin: germline.
Comment: The IFT172 c.2059C>T variant is predicted to result in the amino acid substitution p.Arg687Cys. To our knowledge, this variant has not been reported in the literature. This variant is reported in 0.0098% of alleles in individuals of South Asian descent in gnomAD. At this time, the clinical significance of this variant is uncertain due to the absence of conclusive functional and genetic evidence.

Labcorp Genetics (formerly Invitae), Labcorp
Classification: Uncertain significance for Retinitis pigmentosa 71; Short-rib thoracic dysplasia 10 with or without polydactyly. Last evaluated: 2024-01-15. Review status: criteria provided, single submitter. Criteria: Invitae Variant Classification Sherloc (09022015). Collection method: clinical testing. Allele origin: germline.
Comment: This sequence change replaces arginine, which is basic and polar, with cysteine, which is neutral and slightly polar, at codon 687 of the IFT172 protein (p.Arg687Cys). This variant is present in population databases (rs145946722, gnomAD 0.01%). This variant has not been reported in the literature in individuals affected with IFT172-related conditions. ClinVar contains an entry for this variant (Variation ID: 1425298). Advanced modeling of protein sequence and biophysical properties (such as structural, functional, and spatial information, amino acid conservation, physicochemical variation, residue mobility, and thermodynamic stability) performed at Invitae indicates that this missense variant is not expected to disrupt IFT172 protein function with a negative predictive value of 80%. In summary, the available evidence is currently insufficient to determine the role of this variant in disease. Therefore, it has been classified as a Variant of Uncertain Significance.

GeneDx
Classification: Uncertain significance. Last evaluated: 2023-07-07. Review status: criteria provided, single submitter. Criteria: GeneDx Variant Classification Process June 2021. Collection method: clinical testing. Allele origin: germline. Affected: yes.
Comment: Not observed at significant frequency in large population cohorts (gnomAD); In silico analysis supports that this missense variant has a deleterious effect on protein structure/function; Has not been previously published as pathogenic or benign to our knowledge

Blueprint Genetics
Classification: Uncertain significance. Last evaluated: 2022-01-29. Review status: criteria provided, single submitter. Criteria: ACMG Guidelines, 2015. Collection method: clinical testing. Allele origin: germline.